The following is an entry in ClinVar:

NM_001267550.2(TTN):c.63578del (p.Arg21193fs)

Genes: TTN (titin; minus strand), TTN-AS1 (TTN antisense RNA 1; plus strand). Cytogenetic location: 2q31.2.
Variant type: Deletion.
Coding change: c.63578del on transcript NM_001267550.2 (MANE Select); coding-DNA position 63578, one base deleted (G; older notation c.63578delG).
Protein change: p.Arg21193fs; shifts the reading frame from arginine 21193.
Molecular consequence: frameshift variant.
Genome position (GRCh38, 1-based): chr2:178,587,731, C deleted on the plus strand (G on the coding strand, the reverse complement: TTN is on the minus strand). VCF-style (leftmost placement, unchanged base first): chr2-178587730-AC-A. GRCh37 (hg19) VCF-style: chr2-179452457-AC-A.
Other names: c.58655del, p.Arg19552fs (NM_001256850.1); c.36383del, p.Arg12128fs (NM_003319.4); c.55874del, p.Arg18625fs (NM_133378.4); c.36758del, p.Arg12253fs (NM_133432.3); c.36959del, p.Arg12320fs (NM_133437.4); short protein forms R12128fs, R19552fs, R18625fs, R21193fs, R12253fs, R12320fs.
Identifiers: ClinVar variation 1498644 (VCV001498644.6), dbSNP rs2154182432, ClinGen allele CA2573133744.

ClinVar aggregate classification (germline): Likely pathogenic (1 of 4 stars; one submission).

Conditions:
Dilated cardiomyopathy 1G (CMD1G). Identifiers: Orphanet 154, MedGen C1858763, MONDO:0011400, OMIM 604145.
Autosomal recessive limb-girdle muscular dystrophy type 2J (LGMDR10). Also called: Limb-girdle muscular dystrophy, type 2J; MUSCULAR DYSTROPHY, LIMB-GIRDLE, AUTOSOMAL RECESSIVE 10. Identifiers: Orphanet 140922, MedGen C1837342, MONDO:0012127, OMIM 608807.

Submission:

Labcorp Genetics (formerly Invitae), Labcorp
Classification: Likely pathogenic for Dilated cardiomyopathy 1G; Autosomal recessive limb-girdle muscular dystrophy type 2J. Last evaluated: 2021-08-01. Review status: criteria provided, single submitter. Criteria: Invitae Variant Classification Sherloc (09022015). Collection method: clinical testing. Allele origin: germline.
Comment: This sequence change creates a premature translational stop signal (p.Arg21193Leufs*5) in the TTN gene. While this is not anticipated to result in nonsense mediated decay, it is expected to create a truncated TTN protein. This variant is not present in population databases (ExAC no frequency). This variant has not been reported in the literature in individuals affected with TTN-related conditions. This variant is located in the A band of TTN (PMID: 25589632). Truncating variants in this region are significantly overrepresented in patients affected with dilated cardiomyopathy (PMID: 25589632). Truncating variants in this region have also been reported in individuals affected with autosomal recessive centronuclear myopathy (PMID: 23975875). In summary, the currently available evidence indicates that the variant is pathogenic, but additional data are needed to prove that conclusively. Therefore, this variant has been classified as Likely Pathogenic.

Literature cited by the submitters: PubMed 25589632; PubMed 23975875.